The following is an entry in ClinVar:

ClinVar aggregate classification (germline): Uncertain significance. Review status: criteria provided, multiple submitters, no conflicts (2 of 4 stars). 2 submissions from 2 submitters: Uncertain significance (2). Last evaluated 2025-08-26.

Conditions:
Inborn genetic diseases. Identifiers: MedGen C0950123, MeSH D030342.

Allele frequency attached by ClinVar (database versions not stated): gnomAD 0.00001; gnomAD exomes 0.00002; TOPMed 0.00002.
gnomAD v4.1: 23 of 1,344,948 alleles (0.0017%); highest among the groups gnomAD compares: East Asian, 0.022%; no homozygotes.

Submissions (2):

Ambry Genetics
Classification: Uncertain significance for Inborn genetic diseases. Last evaluated: 2025-08-26. Review status: criteria provided, single submitter. Criteria: Ambry Variant Classification Scheme 2023. Collection method: clinical testing. Allele origin: germline.

Labcorp Genetics (formerly Invitae), Labcorp
Classification: Uncertain significance. Last evaluated: 2022-03-15. Review status: criteria provided, single submitter. Criteria: Invitae Variant Classification Sherloc (09022015). Collection method: clinical testing. Allele origin: germline.
Comment: This sequence change replaces arginine, which is basic and polar, with glutamine, which is neutral and polar, at codon 60 of the TULP1 protein (p.Arg60Gln). The frequency data for this variant in the population databases is considered unreliable, as metrics indicate poor data quality at this position in the gnomAD database. This variant has not been reported in the literature in individuals affected with TULP1-related conditions. Algorithms developed to predict the effect of missense changes on protein structure and function are either unavailable or do not agree on the potential impact of this missense change (SIFT: "Not Available"; PolyPhen-2: "Possibly Damaging"; Align-GVGD: "Not Available"). In summary, the available evidence is currently insufficient to determine the role of this variant in disease. Therefore, it has been classified as a Variant of Uncertain Significance.

NM_003322.6(TULP1):c.179G>A (p.Arg60Gln)

Gene: TULP1 (TUB like protein 1; minus strand). Cytogenetic location: 6p21.31.
Variant type: single nucleotide variant.
Coding change: c.179G>A on transcript NM_003322.6 (MANE Select); coding-DNA position 179, G replaced by A.
Protein change: p.Arg60Gln; replaces arginine 60 with glutamine.
Molecular consequence: missense variant.
Genome position (GRCh38, 1-based): chr6:35,512,191, C>T on the plus strand (G>A on the coding strand, the complement: TULP1 is on the minus strand). VCF-style: chr6-35512191-C-T. GRCh37 (hg19) VCF-style: chr6-35479968-C-T.
Other names: c.179G>A, p.Arg60Gln (NM_001289395.2); c.179G>A (NM_003322.3); short protein forms R60Q.
Identifiers: ClinVar variation 1964796 (VCV001964796.5), dbSNP rs1490623059, ClinGen allele CA363784890.
Genomic context (GRCh38, chr6:35,512,191, plus strand): 5'-TCCGCAGCCCACACCCTGGGGGTCCACCCGGGCTCTGCACCCCGCCCACCTCCGGGCTTC[C>T]GGGGCTTGGATCCCGTGGGGCAGGGGGATTCGGGGGCCTCCGTCCTCTTCTTCCTTAGCC-3'
Protein context (NP_003313.3, residues 50-70): ESPCPTGSKP[Arg60Gln]KPGAGRTGRP